The following is an entry in ClinVar:

NM_001267550.2(TTN):c.106573A>G (p.Thr35525Ala)

Genes: TTN-AS1 (TTN antisense RNA 1; plus strand), TTN (titin; minus strand). Cytogenetic location: 2q31.2.
Variant type: single nucleotide variant.
Coding change: c.106573A>G on transcript NM_001267550.2 (MANE Select); coding-DNA position 106573, A replaced by G.
Protein change: p.Thr35525Ala; replaces threonine 35525 with alanine.
Molecular consequence: missense variant.
Genome position (GRCh38, 1-based): chr2:178,529,178, T>C on the plus strand (A>G on the coding strand, the complement: TTN is on the minus strand). VCF-style: chr2-178529178-T-C. GRCh37 (hg19) VCF-style: chr2-179393905-T-C.
Other names: c.101650A>G, p.Thr33884Ala (NM_001256850.1); c.79378A>G, p.Thr26460Ala (NM_003319.4); c.98869A>G, p.Thr32957Ala (NM_133378.4); c.79753A>G, p.Thr26585Ala (NM_133432.3); c.79954A>G, p.Thr26652Ala (NM_133437.4); short protein forms T26460A, T26585A, T32957A, T26652A, T35525A, T33884A.
Identifiers: ClinVar variation 651655 (VCV000651655.7), dbSNP rs1575198568, ClinGen allele CA349404325.

ClinVar aggregate classification (germline): Uncertain significance (1 of 4 stars; one submission).

Conditions:
Autosomal recessive limb-girdle muscular dystrophy type 2J (LGMDR10). Also called: Limb-girdle muscular dystrophy, type 2J; MUSCULAR DYSTROPHY, LIMB-GIRDLE, AUTOSOMAL RECESSIVE 10. Identifiers: Orphanet 140922, MedGen C1837342, MONDO:0012127, OMIM 608807.
Dilated cardiomyopathy 1G (CMD1G). Identifiers: Orphanet 154, MedGen C1858763, MONDO:0011400, OMIM 604145.

Submission:

Labcorp Genetics (formerly Invitae), Labcorp
Classification: Uncertain significance for Dilated cardiomyopathy 1G; Autosomal recessive limb-girdle muscular dystrophy type 2J. Last evaluated: 2018-12-17. Review status: criteria provided, single submitter. Criteria: Invitae Variant Classification Sherloc (09022015). Collection method: clinical testing. Allele origin: germline.
Comment: In summary, the available evidence is currently insufficient to determine the role of this variant in disease. Therefore, it has been classified as a Variant of Uncertain Significance. This variant is located in the M band of TTN (PMID: 25589632). Variants in this region may be relevant for neuromuscular disorders, but have not been definitively shown to cause cardiomyopathy (PMID: 23975875). Algorithms developed to predict the effect of missense changes on protein structure and function are unavailable for the TTN gene. This sequence change replaces threonine with alanine at codon 35525 of the TTN protein (p.Thr35525Ala). There is a small physicochemical difference between threonine and alanine. This variant is not present in population databases (ExAC no frequency). This variant has not been reported in the literature in individuals with TTN-related conditions.

Literature cited by the submitters: PubMed 25589632; PubMed 23975875.